The following is an entry in ClinVar:

NM_004230.4(S1PR2):c.781G>A (p.Val261Ile)

Gene: S1PR2 (sphingosine-1-phosphate receptor 2; minus strand). Cytogenetic location: 19p13.2.
Variant type: single nucleotide variant.
Coding change: c.781G>A on transcript NM_004230.4 (MANE Select); coding-DNA position 781, G replaced by A.
Protein change: p.Val261Ile; replaces valine 261 with isoleucine.
Molecular consequence: missense variant.
Genome position (GRCh38, 1-based): chr19:10,224,125, C>T on the plus strand (G>A on the coding strand, the complement: S1PR2 is on the minus strand). VCF-style: chr19-10224125-C-T. GRCh37 (hg19) VCF-style: chr19-10334801-C-T.
Other names: short protein forms V261I.
Identifiers: ClinVar variation 930015 (VCV000930015.11), dbSNP rs199824841, ClinGen allele CA9189021.

ClinVar aggregate classification (germline): Uncertain significance. Review status: criteria provided, multiple submitters, no conflicts (2 of 4 stars). 5 submissions from 5 submitters: Uncertain significance (5). Last evaluated 2026-08-27.

Conditions:
Inborn genetic diseases. Identifiers: MedGen C0950123, MeSH D030342.
S1PR2-related disorder. Also called: S1PR2-related condition.

Allele frequency attached by ClinVar (database versions not stated): gnomAD exomes 0.00001 and 0.00002; ExAC 0.00002; gnomAD 0.00002 and 0.00003; TOPMed 0.00002; 1000 Genomes Project 0.00020; 1000 Genomes Project 30x 0.00031.

Submissions (5):

PreventionGenetics, part of Exact Sciences
Classification: Uncertain significance for S1PR2-related condition. Last evaluated: 2026-08-27. Review status: criteria provided, single submitter. Criteria: ACMG Guidelines, 2015. Collection method: clinical testing. Allele origin: germline.
Comment: The S1PR2 c.781G>A variant is predicted to result in the amino acid substitution p.Val261Ile. To our knowledge, this variant has not been reported in the literature. This variant is reported in 0.014% of alleles in individuals of Latino descent in gnomAD. At this time, the clinical significance of this variant is uncertain due to the absence of conclusive functional and genetic evidence.

GeneDx
Classification: Uncertain significance. Last evaluated: 2024-12-17. Review status: criteria provided, single submitter. Criteria: GeneDx Variant Classification Process June 2021. Collection method: clinical testing. Allele origin: germline. Affected: yes.
Comment: In silico analysis indicates that this missense variant does not alter protein structure/function; Has not been previously published as pathogenic or benign to our knowledge

Ambry Genetics
Classification: Uncertain significance for Inborn genetic diseases. Last evaluated: 2024-08-19. Review status: criteria provided, single submitter. Criteria: Ambry Variant Classification Scheme 2023. Collection method: clinical testing. Allele origin: germline.

Labcorp Genetics (formerly Invitae), Labcorp
Classification: Uncertain significance. Last evaluated: 2022-07-30. Review status: criteria provided, single submitter. Criteria: Invitae Variant Classification Sherloc (09022015). Collection method: clinical testing. Allele origin: germline.
Comment: This sequence change replaces valine, which is neutral and non-polar, with isoleucine, which is neutral and non-polar, at codon 261 of the S1PR2 protein (p.Val261Ile). This variant is present in population databases (rs199824841, gnomAD 0.02%). This variant has not been reported in the literature in individuals affected with S1PR2-related conditions. ClinVar contains an entry for this variant (Variation ID: 930015). Algorithms developed to predict the effect of missense changes on protein structure and function output the following: SIFT: "Tolerated"; PolyPhen-2: "Benign"; Align-GVGD: "Class C0". The isoleucine amino acid residue is found in multiple mammalian species, which suggests that this missense change does not adversely affect protein function. In summary, the available evidence is currently insufficient to determine the role of this variant in disease. Therefore, it has been classified as a Variant of Uncertain Significance.

Laboratory for Molecular Medicine, Mass General Brigham Personalized Medicine
Classification: Uncertain significance. Last evaluated: 2020-01-22. Review status: criteria provided, single submitter. Criteria: LMM Criteria. Collection method: clinical testing. Allele origin: germline. Observed: 1 variant allele.
Comment: Variant classified as Uncertain Significance - Favor Benign. The p.Val261Ile variant in S1PR2 has not been previously reported in individuals with hearing loss but has been identified in 0.01% (5/35366) of Latino chromosomes by gnomAD. Computational prediction tools suggest that this variant may not impact the protein, and two mammals have an isoleucine (Ile) at this position. However, this information is not predictive enough to rule out pathogenicity. In summary, while the clinical significance of this variant is uncertain, these data suggest that it is more likely to be benign. ACMG/AMP Criteria applied: PM2_Supporting, BP4.